The following is an entry in ClinVar:

ClinVar aggregate classification (germline): Pathogenic (1 of 4 stars; one submission).

Conditions:
Developmental and epileptic encephalopathy, 9 (DEE9). Also called: Early infantile epileptic encephalopathy 9; EPILEPSY, FEMALE-RESTRICTED, WITH MENTAL RETARDATION; PCDH19-Related X-Linked Female-Limited Epilepsy with Mental Retardation; JUBERG-HELLMAN SYNDROME. Identifiers: Orphanet 101039, Orphanet 2076, MedGen C1848137, MONDO:0010246, OMIM 300088. Disease mechanism: loss of function.

Submission:

Labcorp Genetics (formerly Invitae), Labcorp
Classification: Pathogenic for Developmental and epileptic encephalopathy, 9. Last evaluated: 2022-07-18. Review status: criteria provided, single submitter. Criteria: Invitae Variant Classification Sherloc (09022015). Collection method: clinical testing. Allele origin: germline.
Comment: This variant has not been reported in the literature in individuals affected with PCDH19-related conditions. This variant is not present in population databases (gnomAD no frequency). This sequence change creates a premature translational stop signal (p.Gly182Argfs*43) in the PCDH19 gene. It is expected to result in an absent or disrupted protein product. Loss-of-function variants in PCDH19 are known to be pathogenic (PMID: 21053371). For these reasons, this variant has been classified as Pathogenic.

Literature cited by the submitters: PubMed 21053371.

NM_001184880.2(PCDH19):c.543_544del (p.Gly182fs)

Gene: PCDH19 (protocadherin 19; minus strand). Cytogenetic location: Xq22.1.
Variant type: Microsatellite.
Coding change: c.543_544del on transcript NM_001184880.2 (MANE Select); coding-DNA positions 543 to 544, 2 bases deleted (CG; older notation c.543_544delCG).
Protein change: p.Gly182fs; shifts the reading frame from glycine 182.
Molecular consequence: frameshift variant.
Genome position (GRCh38, 1-based): chrX:100,408,054-100,408,055, CG deleted on the plus strand (CG on the coding strand, the reverse complement: PCDH19 is on the minus strand); deleting any 2 consecutive bases within chrX:100,408,054-100,408,059 gives the same sequence; the c. name uses the placement nearest the transcript's 3' end. VCF-style (leftmost placement, unchanged base first): chrX-100408053-CCG-C. GRCh37 (hg19) VCF-style: chrX-99663051-CCG-C.
Other names: c.543_544del, p.Gly182fs (NM_001105243.2, NM_020766.3); short protein forms G182fs.
Identifiers: ClinVar variation 2061513 (VCV002061513.4), dbSNP rs2520993118, ClinGen allele CA2580612442.